The following is an entry in ClinVar:

ClinVar aggregate classification (germline): Likely benign (1 of 4 stars; one submission).

gnomAD v4.1: 39 of 1,614,078 alleles (0.0024%); highest among the groups gnomAD compares: Non-Finnish European, 0.0033%; no homozygotes.

Submission:

CeGaT Center for Human Genetics Tuebingen
Classification: Likely benign. Last evaluated: 2026-02-01. Review status: criteria provided, single submitter. Criteria: CeGaT Center For Human Genetics Tuebingen Variant Classification Criteria Version 2. Collection method: clinical testing. Allele origin: germline. Affected: yes. Observed: 1 variant allele.
Comment: KCNK9: BP4, BP7

NM_001282534.2(KCNK9):c.510G>T (p.Thr170=)

Gene: KCNK9 (potassium two pore domain channel subfamily K member 9; minus strand). Cytogenetic location: 8q24.3.
Variant type: single nucleotide variant.
Coding change: c.510G>T on transcript NM_001282534.2 (MANE Select); coding-DNA position 510, G replaced by T.
Protein change: p.Thr170=; no amino-acid change (threonine 170 retained).
Molecular consequence: synonymous variant. On other transcripts: non-coding transcript variant (1).
Genome position (GRCh38, 1-based): chr8:139,618,873, C>A on the plus strand (G>T on the coding strand, the complement: KCNK9 is on the minus strand). VCF-style: chr8-139618873-C-A. GRCh37 (hg19) VCF-style: chr8-140631116-C-A.
Identifiers: ClinVar variation 4821883 (VCV004821883.4).
Genomic context (GRCh38, chr8:139,618,873, plus strand): 5'-GTAGGCGTGGAAGAAGCTCCACTCCTCACACTGGGAGAAGGCGGCCGCCCCGATGCACAG[C>A]GTCCCCATGCAGGAGAAGAAGCCCACAGTCACCATGTTCTCCATAGACACGTCAGTGTTG-3'
Protein context (NP_001269463.1, residues 160-180): VTVGFFSCMG[Thr170=]LCIGAAAFSQ